The following is an entry in ClinVar:

NM_001385012.1(NBEA):c.4600C>A (p.Pro1534Thr)

Gene: NBEA (neurobeachin; plus strand). Cytogenetic location: 13q13.3.
Variant type: single nucleotide variant.
Coding change: c.4600C>A on transcript NM_001385012.1 (MANE Select); coding-DNA position 4600, C replaced by A.
Protein change: p.Pro1534Thr; replaces proline 1534 with threonine.
Molecular consequence: missense variant.
Genome position (GRCh38, 1-based): chr13:35,177,041, C>A. VCF-style: chr13-35177041-C-A. GRCh37 (hg19) VCF-style: chr13-35751178-C-A.
Other names: c.4591C>A, p.Pro1531Thr (NM_001379245.1); c.4600C>A, p.Pro1534Thr (NM_015678.5); c.4600C>A (NM_015678.4); short protein forms P1531T, P1534T.
Identifiers: ClinVar variation 2643748 (VCV002643748.26), dbSNP rs190118929, ClinGen allele CA6946910.

ClinVar aggregate classification (germline): Likely benign. Review status: criteria provided, multiple submitters, no conflicts (2 of 4 stars). 3 submissions from 3 submitters: Likely benign (3). Last evaluated 2025-11-20.

Conditions:
NBEA-related disorder. Also called: NBEA-related condition.

Allele frequency attached by ClinVar (database versions not stated): 1000 Genomes Project 0.00120; 1000 Genomes Project 30x 0.00141.
gnomAD v4.1: 350 of 1,605,670 alleles (0.022%); highest among the groups gnomAD compares: East Asian, 0.76%; 3 homozygotes.

Submissions (3):

PreventionGenetics, part of Exact Sciences
Classification: Likely benign for NBEA-related condition. Last evaluated: 2025-11-20. Review status: criteria provided, single submitter. Criteria: ACMG Guidelines, 2015. Collection method: clinical testing. Allele origin: germline.
Comment: This variant is classified as likely benign based on ACMG/AMP sequence variant interpretation guidelines (Richards et al. 2015 PMID: 25741868, with internal and published modifications).

Blueprint Genetics
Classification: Likely benign. Last evaluated: 2024-08-08. Review status: criteria provided, single submitter. Criteria: ACMG Guidelines, 2015. Collection method: clinical testing. Allele origin: germline.

CeGaT Center for Human Genetics Tuebingen
Classification: Likely benign. Last evaluated: 2023-04-01. Review status: criteria provided, single submitter. Criteria: CeGaT Center For Human Genetics Tuebingen Variant Classification Criteria Version 2. Collection method: clinical testing. Allele origin: germline. Affected: yes. Observed: 1 variant allele.
Comment: NBEA: BS1